The following is an entry in ClinVar:

NM_001844.5(COL2A1):c.3706del (p.Leu1236fs)

Gene: COL2A1 (collagen type II alpha 1 chain; minus strand). Cytogenetic location: 12q13.11.
Variant type: Deletion.
Coding change: c.3706del on transcript NM_001844.5 (MANE Select); coding-DNA position 3706, one base deleted (C; older notation c.3706delC).
Protein change: p.Leu1236fs; shifts the reading frame from leucine 1236.
Molecular consequence: frameshift variant.
Genome position (GRCh38, 1-based): chr12:47,975,497, G deleted on the plus strand (C on the coding strand, the reverse complement: COL2A1 is on the minus strand); the first of 5 consecutive G bases (chr12:47,975,497-47,975,501); deleting any one gives the same sequence. VCF-style (leftmost placement, unchanged base first): chr12-47975496-AG-A. GRCh37 (hg19) VCF-style: chr12-48369279-AG-A.
Other names: c.3499del, p.Leu1167fs (NM_033150.3); short protein forms L1167fs, L1236fs.
Identifiers: ClinVar variation 1699687 (VCV001699687.3), dbSNP rs2136511970, ClinGen allele CA2580085666.

ClinVar aggregate classification (germline): Pathogenic (1 of 4 stars; one submission).

Submission:

GeneDx
Classification: Pathogenic. Last evaluated: 2024-10-15. Review status: criteria provided, single submitter. Criteria: GeneDx Variant Classification Process June 2021. Collection method: clinical testing. Allele origin: germline.
Comment: Has not been previously published as pathogenic or benign to our knowledge; Not observed at significant frequency in large population cohorts (gnomAD); Frameshift variant predicted to result in protein truncation or nonsense mediated decay in a gene for which loss of function is a known mechanism of disease